The following is an entry in ClinVar:

NM_000261.2(MYOC):c.1079T>A (p.Ile360Asn)

Gene: MYOC (myocilin; minus strand). Cytogenetic location: 1q24.3.
Variant type: single nucleotide variant.
Coding change: c.1079T>A on transcript NM_000261.2 (MANE Select); coding-DNA position 1079, T replaced by A.
Protein change: p.Ile360Asn; replaces isoleucine 360 with asparagine.
Molecular consequence: missense variant.
Genome position (GRCh38, 1-based): chr1:171,636,361, A>T on the plus strand (T>A on the coding strand, the complement: MYOC is on the minus strand). VCF-style: chr1-171636361-A-T. GRCh37 (hg19) VCF-style: chr1-171605501-A-T.
Other names: NM_000261.2:c.1079T>A; short protein forms I360N.
Identifiers: ClinVar variation 1342200 (VCV001342200.6), dbSNP rs1652920956, ClinGen allele CA343724796.

ClinVar aggregate classification (germline): Uncertain significance (3 of 4 stars; one submission).

Conditions:
Open-angle glaucoma. Identifiers: MedGen C0017612, MONDO:0005338, HP:0012108.

Allele frequency attached by ClinVar (database versions not stated): gnomAD exomes below 0.00001.

Submission:

ClinGen Glaucoma Variant Curation Expert Panel
Classification: Uncertain significance for Open-angle glaucoma. Last evaluated: 2025-10-08. Review status: reviewed by expert panel. Criteria: ClinGen Glaucoma ACMG Specifications V2.0.0 Approved. Collection method: curation. Allele origin: germline. Inheritance: Autosomal dominant inheritance.
Comment: The c.1079T>A variant in MYOC is a missense variant predicted to cause substitution of Isoleucine by Asparagine at amino acid 360 (p.Ile360Asn). The highest minor allele frequency of this variant was in the East Asian genetic ancestry group of gnomAD (v4.1.0) = 0.00002229 (1 allele out of 44,856), which met the ≤ 0.0001 threshold set for PM2_Supporting in a genetic ancestry group of at least 10,000 alleles. The REVEL score = 0.635, which was neither above nor below the thresholds for PP3 (≥ 0.644) or BP4 (≤ 0.290), predicting a damaging or benign impact on MYOC function. The assay in this study (PMID: 14688426), measuring secretion of the Ile360Asn protein, did not meet the OddsPath threshold for PS3_Supporting (> 2.1). Only 1 proband with primary open angle glaucoma had been reported (PMID: 10980537), not meeting the ≥ 2 probands threshold required to meet PS4_Supporting. In summary, this variant met the criteria to receive a score of 1 and to be classified as a variant of uncertain significance (uncertain significance classification range -1 to 5, adapted from PMID: 32720330) for primary open angle glaucoma based on the ACMG/AMP criteria met, as specified by the ClinGen Glaucoma VCEP (v2.0.0, 5 Dec 2024): PM2_Supporting.